The following is an entry in ClinVar:

ClinVar aggregate classification (germline): Conflicting classifications of pathogenicity. Review status: criteria provided, conflicting classifications (1 of 4 stars). 4 submissions from 4 submitters: Uncertain significance (1); Likely benign (2). 1 of the submissions does not count toward it. Last evaluated 2025-11-27.

Conditions:
ERCC2-related disorder. Also called: ERCC2-related conditions; ERCC2-related condition; ERCC2-related disorders. Identifiers: MedGen CN239291.
Xeroderma pigmentosum, group D (XPD). Also called: XERODERMA PIGMENTOSUM, COMPLEMENTATION GROUP D; XERODERMA PIGMENTOSUM IV; XP, GROUP D; XP, GROUP H; ERCC2-Related Xeroderma Pigmentosum. Identifiers: MedGen C0268138, MONDO:0010212, OMIM 278730.

Allele frequency attached by ClinVar (database versions not stated): gnomAD 0.00008 and 0.00009; gnomAD exomes 0.00010; 1000 Genomes Project 30x 0.00016; ExAC 0.00016; 1000 Genomes Project 0.00020; TOPMed 0.00006.
gnomAD v4.1: 144 of 1,538,904 alleles (0.0094%); highest among the groups gnomAD compares: South Asian, 0.056%; no homozygotes.

Submissions (4):

Labcorp Genetics (formerly Invitae), Labcorp
Classification: Likely benign. Last evaluated: 2025-11-27. Review status: criteria provided, single submitter. Criteria: Invitae Variant Classification Sherloc (09022015). Collection method: clinical testing. Allele origin: germline.

Blueprint Genetics
Classification: Likely benign. Last evaluated: 2024-11-13. Review status: criteria provided, single submitter. Criteria: ACMG Guidelines, 2015. Collection method: clinical testing. Allele origin: germline.

Illumina Laboratory Services, Illumina
Classification: Uncertain significance for Xeroderma pigmentosum, group D. Last evaluated: 2018-01-12. Review status: criteria provided, single submitter. Criteria: ICSL Variant Classification Criteria 13 December 2019. Collection method: clinical testing. Allele origin: germline.

PreventionGenetics, part of Exact Sciences
Classification: Likely benign for ERCC2-related condition. Last evaluated: 2019-12-04. Review status: no assertion criteria provided. Collection method: clinical testing. Allele origin: germline. Not counted in ClinVar's aggregate classification.
Comment: This variant is classified as likely benign based on ACMG/AMP sequence variant interpretation guidelines (Richards et al. 2015 PMID: 25741868, with internal and published modifications).

NM_000400.4(ERCC2):c.949+9C>T

Gene: ERCC2 (ERCC excision repair 2, TFIIH core complex helicase subunit; minus strand). Cytogenetic location: 19q13.32.
Variant type: single nucleotide variant.
Coding change: c.949+9C>T on transcript NM_000400.4 (MANE Select); 9 bases into the intron after coding-DNA position 949, C replaced by T.
Molecular consequence: intron variant.
Genome position (GRCh38, 1-based): chr19:45,363,977, G>A on the plus strand (C>T on the coding strand, the complement: ERCC2 is on the minus strand). VCF-style: chr19-45363977-G-A. GRCh37 (hg19) VCF-style: chr19-45867235-G-A.
Other names: c.877+9C>T (NM_001130867.2).
Identifiers: ClinVar variation 329519 (VCV000329519.16), dbSNP rs529824119, ClinGen allele CA9513571.